The following is an entry in ClinVar:

ClinVar aggregate classification (germline): Uncertain significance (1 of 4 stars; one submission).

Conditions:
Ullrich congenital muscular dystrophy 2 (UCMD2). Identifiers: Orphanet 75840, MedGen C4225314, MONDO:0014654, OMIM 616470.
Bethlem myopathy 2 (BTHLM2). Identifiers: Orphanet 536516, Orphanet 610, MedGen C4225313, MONDO:0034022, OMIM 616471.

Submission:

Labcorp Genetics (formerly Invitae), Labcorp
Classification: Uncertain significance for Bethlem myopathy 2; Ullrich congenital muscular dystrophy 2. Last evaluated: 2024-10-28. Review status: criteria provided, single submitter. Criteria: Invitae Variant Classification Sherloc (09022015). Collection method: clinical testing. Allele origin: germline.
Comment: This sequence change replaces leucine, which is neutral and non-polar, with methionine, which is neutral and non-polar, at codon 1744 of the COL12A1 protein (p.Leu1744Met). This variant is not present in population databases (gnomAD no frequency). This variant has not been reported in the literature in individuals affected with COL12A1-related conditions. ClinVar contains an entry for this variant (Variation ID: 2051696). An algorithm developed to predict the effect of missense changes on protein structure and function outputs the following: PolyPhen-2: "Benign". The methionine amino acid residue is found in multiple mammalian species, which suggests that this missense change does not adversely affect protein function. In summary, the available evidence is currently insufficient to determine the role of this variant in disease. Therefore, it has been classified as a Variant of Uncertain Significance.

NM_004370.6(COL12A1):c.5230C>A (p.Leu1744Met)

Gene: COL12A1 (collagen type XII alpha 1 chain; minus strand). Cytogenetic location: 6q13.
Variant type: single nucleotide variant.
Coding change: c.5230C>A on transcript NM_004370.6 (MANE Select); coding-DNA position 5230, C replaced by A.
Protein change: p.Leu1744Met; replaces leucine 1744 with methionine.
Molecular consequence: missense variant.
Genome position (GRCh38, 1-based): chr6:75,138,448, G>T on the plus strand (C>A on the coding strand, the complement: COL12A1 is on the minus strand). VCF-style: chr6-75138448-G-T. GRCh37 (hg19) VCF-style: chr6-75848164-G-T.
Other names: c.1738C>A, p.Leu580Met (NM_080645.3); short protein forms L1744M, L580M.
Identifiers: ClinVar variation 2051696 (VCV002051696.4), dbSNP rs552834799, ClinGen allele CA364738467.
Genomic context (GRCh38, chr6:75,138,448, plus strand): 5'-CCTATTTTTTAAAAATTAACTTTAAAATATCAATGTCCTATTTGAAAGCTAAACACCTAC[G>T]TGTGCGCTCACTGCCAATCAGGTCATCACTTTCTGACTCATCAGGATAGATGGCAGTAAT-3'
Protein context (NP_004361.3, residues 1734-1754): SDDLIGSERT[Leu1744Met]PILTTQAPKS